The following is an entry in ClinVar:

NM_006514.4(SCN10A):c.4770del (p.Lys1591fs)

Gene: SCN10A (sodium voltage-gated channel alpha subunit 10; minus strand). Cytogenetic location: 3p22.2.
Variant type: Deletion.
Coding change: c.4770del on transcript NM_006514.4 (MANE Select); coding-DNA position 4770, one base deleted (C; older notation c.4770delC).
Protein change: p.Lys1591fs; shifts the reading frame from lysine 1591.
Molecular consequence: frameshift variant.
Genome position (GRCh38, 1-based): chr3:38,698,450, G deleted on the plus strand (C on the coding strand, the reverse complement: SCN10A is on the minus strand); the first of 2 consecutive G bases (chr3:38,698,450-38,698,451); deleting either gives the same sequence. VCF-style (leftmost placement, unchanged base first): chr3-38698449-TG-T. GRCh37 (hg19) VCF-style: chr3-38739940-TG-T.
Other names: c.4767del, p.Lys1590fs (NM_001293306.2); c.4476del, p.Lys1493fs (NM_001293307.2); short protein forms K1493fs, K1590fs, K1591fs.
Identifiers: ClinVar variation 1312479 (VCV001312479.2), dbSNP rs2125980464, ClinGen allele CA2573052159.

ClinVar aggregate classification (germline): Uncertain significance (1 of 4 stars; one submission).

Submission:

GeneDx
Classification: Uncertain significance. Last evaluated: 2019-09-20. Review status: criteria provided, single submitter. Criteria: GeneDx Variant Classification Process June 2021. Collection method: clinical testing. Allele origin: germline. Affected: yes.
Comment: Has not been previously published as pathogenic or benign to our knowledge; Not observed in large population cohorts (Lek et al., 2016); Frameshift variant predicted to result in protein truncation as the last 366 amino acids are lost and replaced with 10 incorrect amino acids, although loss-of-function variants have not been reported downstream of this position in the protein and loss-of-function is not a known mechanism of disease